The following is an entry in ClinVar:

NM_000443.4(ABCB4):c.2924+6T>C

Gene: ABCB4 (ATP binding cassette subfamily B member 4; minus strand). Cytogenetic location: 7q21.12.
Variant type: single nucleotide variant.
Coding change: c.2924+6T>C on transcript NM_000443.4 (MANE Select); 6 bases into the intron after coding-DNA position 2924, T replaced by C.
Molecular consequence: intron variant.
Genome position (GRCh38, 1-based): chr7:87,411,887, A>G on the plus strand (T>C on the coding strand, the complement: ABCB4 is on the minus strand). VCF-style: chr7-87411887-A-G. GRCh37 (hg19) VCF-style: chr7-87041203-A-G.
Other names: c.2783+1730T>C (NM_018850.3); c.2924+6T>C (NM_018849.3).
Identifiers: ClinVar variation 4803442 (VCV004803442.1).

ClinVar aggregate classification (germline): Uncertain significance (1 of 4 stars; one submission).

Submission:

Labcorp Genetics (formerly Invitae), Labcorp
Classification: Uncertain significance. Last evaluated: 2025-11-11. Review status: criteria provided, single submitter. Criteria: Invitae Variant Classification Sherloc (09022015). Collection method: clinical testing. Allele origin: germline.
Comment: This sequence change falls in intron 23 of the ABCB4 gene. It does not directly change the encoded amino acid sequence of the ABCB4 protein. It affects a nucleotide within the consensus splice site. This variant is not present in population databases (gnomAD no frequency). This variant has not been reported in the literature in individuals affected with ABCB4-related conditions. Variants that disrupt the consensus splice site are a relatively common cause of aberrant splicing (PMID: 17576681, 9536098). Algorithms developed to predict the effect of sequence changes on RNA splicing suggest that this variant may disrupt the consensus splice site. In summary, the available evidence is currently insufficient to determine the role of this variant in disease. Therefore, it has been classified as a Variant of Uncertain Significance.

Literature cited by the submitters: PubMed 17576681; PubMed 9536098.